The following is an entry in ClinVar:

ClinVar aggregate classification (germline): Conflicting classifications of pathogenicity. Review status: criteria provided, conflicting classifications (1 of 4 stars). 6 submissions from 6 submitters: Pathogenic (1); Likely pathogenic (4); Uncertain significance (1). Last evaluated 2026-01-22.

Conditions:
Autosomal recessive spinocerebellar ataxia 10. Identifiers: Orphanet 284289, MedGen C3150998, MONDO:0013392, OMIM 613728.
ANO10-related disorder. Also called: ANO10-related condition.

Allele frequency attached by ClinVar (database versions not stated): gnomAD 0.00001; ExAC 0.00002; TOPMed 0.00002.
gnomAD v4.1: 14 of 1,613,874 alleles (0.00087%); highest among the groups gnomAD compares: Non-Finnish European, 0.0012%; no homozygotes.

Submissions (6):

3billion
Classification: Pathogenic for Autosomal recessive spinocerebellar ataxia 10. Last evaluated: 2026-01-22. Review status: criteria provided, single submitter. Criteria: ACMG Guidelines, 2015. Collection method: clinical testing. Allele origin: germline. Affected: yes.
Comment: The variant is observed at an extremely low frequency in the gnomAD v4.1.0 dataset (total allele frequency: <0.001%). Predicted Consequence/Location: Canonical splice site: predicted to alter splicing and result in a loss or disruption of normal protein function. Multiple pathogenic loss-of-function variants are reported downstream of the variant. In silico tools predict the variant to alter splicing and produce an abnormal transcript [SpliceAI: 0.99 (spliceogenicity >=0.2, non-spliceogenicity <0.1)]. The variant has been reported at least twice as pathogenic with clinical assertions and evidence for the classification (ClinVar ID: VCV003010606). Therefore, this variant is classified as Pathogenic according to the recommendation of ACMG/AMP guideline.

Athena Diagnostics
Classification: Uncertain significance. Last evaluated: 2025-06-13. Review status: criteria provided, single submitter. Criteria: Athena Diagnostics Criteria. Collection method: clinical testing. Allele origin: unknown.
Comment: Available data are insufficient to determine the clinical significance of the variant at this time. The frequency of this variant in the general population is uninformative in assessment of its pathogenicity. This variant has been identified in at least one individual with clinical features associated with this gene. This variant is expected to maintain the transcript reading frame. However, it disrupts a substantial portion of the protein, and therefore, is expected to disrupt its function. Computational tools yielded predictions that this variant may interfere with normal RNA splicing.

Blueprint Genetics
Classification: Likely pathogenic for ANO10-related disorders. Last evaluated: 2024-06-07. Review status: criteria provided, single submitter. Criteria: ACMG Guidelines, 2015. Collection method: clinical testing. Allele origin: germline. Affected: yes. Observed: 4 variant alleles.

Women's Health and Genetics/Laboratory Corporation of America, LabCorp
Classification: Likely pathogenic for Autosomal recessive spinocerebellar ataxia 10. Last evaluated: 2024-04-05. Review status: criteria provided, single submitter. Criteria: LabCorp Variant Classification Summary - May 2015. Collection method: clinical testing. Allele origin: germline.
Comment: Variant summary: ANO10 c.1162+1G>A is located in a canonical splice-site and is predicted to affect mRNA splicing resulting in a significantly altered protein due to either exon skipping, shortening, or inclusion of intronic material. Several computational tools predict a significant impact on normal splicing: Four predict the variant abolishes the canonical 5' splicing donor site. However, these predictions have yet to be confirmed by functional studies. The variant allele was found at a frequency of 4e-06 in 250692 control chromosomes. To our knowledge, no occurrence of c.1162+1G>A in individuals affected with Spinocerebellar ataxia 10 and no experimental evidence demonstrating its impact on protein function have been reported. ClinVar contains an entry for this variant (Variation ID: 3010606). Based on the evidence outlined above, the variant was classified as likely pathogenic.

Fulgent Genetics
Classification: Likely pathogenic for Autosomal recessive spinocerebellar ataxia 10. Last evaluated: 2024-01-31. Review status: criteria provided, single submitter. Criteria: ACMG Guidelines, 2015. Collection method: clinical testing. Allele origin: germline.

Labcorp Genetics (formerly Invitae), Labcorp
Classification: Likely pathogenic. Last evaluated: 2023-09-10. Review status: criteria provided, single submitter. Criteria: Invitae Variant Classification Sherloc (09022015). Collection method: clinical testing. Allele origin: germline.
Comment: In summary, the currently available evidence indicates that the variant is pathogenic, but additional data are needed to prove that conclusively. Therefore, this variant has been classified as Likely Pathogenic. Algorithms developed to predict the effect of sequence changes on RNA splicing suggest that this variant may disrupt the consensus splice site. This variant has not been reported in the literature in individuals affected with ANO10-related conditions. This variant is present in population databases (rs768148483, gnomAD 0.0009%). This sequence change affects a donor splice site in intron 6 of the ANO10 gene. It is expected to disrupt RNA splicing. Variants that disrupt the donor or acceptor splice site typically lead to a loss of protein function (PMID: 16199547), and loss-of-function variants in ANO10 are known to be pathogenic (PMID: 25089919).

Literature cited by the submitters: PubMed 16199547 (cited by Labcorp Genetics (formerly Invitae), Labcorp); PubMed 25089919 (cited by Labcorp Genetics (formerly Invitae), Labcorp).

NM_018075.5(ANO10):c.1162+1G>A

Gene: ANO10 (anoctamin 10; minus strand). Cytogenetic location: 3p22.1.
Variant type: single nucleotide variant.
Coding change: c.1162+1G>A on transcript NM_018075.5 (MANE Select); the canonical splice donor site of the intron after coding-DNA position 1162, G replaced by A.
Molecular consequence: splice donor variant. On other transcripts: intron variant (1).
Genome position (GRCh38, 1-based): chr3:43,576,691, C>T on the plus strand (G>A on the coding strand, the complement: ANO10 is on the minus strand). VCF-style: chr3-43576691-C-T. GRCh37 (hg19) VCF-style: chr3-43618183-C-T.
Other names: c.1162+1G>A (NM_018075.3, NM_001346468.2, NM_001346465.2 and 4 more transcripts); c.964+1G>A (NM_001346469.2, NM_001204832.3, NM_001346466.2); c.829+1G>A (NM_001204833.3); c.593-1827G>A (NM_001204834.3).
Identifiers: ClinVar variation 3010606 (VCV003010606.8), dbSNP rs768148483, ClinGen allele CA2340880.